The following is an entry in ClinVar:

ClinVar aggregate classification (germline): Uncertain significance (1 of 4 stars; one submission).

Conditions:
Severe myoclonic epilepsy in infancy (DRVT). Also called: Epileptic encephalopathy, early infantile, 6 (Dravet syndrome); SEVERE MYOCLONIC EPILEPSY OF INFANCY; DEVELOPMENTAL AND EPILEPTIC ENCEPHALOPATHY 6A; Severe Myoclonic Epilepsy in Infancy (SMEI); Dravet syndrome. Identifiers: Orphanet 33069, MedGen C0751122, MONDO:0100135, OMIM 607208.

Submission:

Labcorp Genetics (formerly Invitae), Labcorp
Classification: Uncertain significance for Severe myoclonic epilepsy in infancy. Last evaluated: 2022-02-05. Review status: criteria provided, single submitter. Criteria: Invitae Variant Classification Sherloc (09022015). Collection method: clinical testing. Allele origin: germline.
Comment: In summary, the available evidence is currently insufficient to determine the role of this variant in disease. Therefore, it has been classified as a Variant of Uncertain Significance. Algorithms developed to predict the effect of missense changes on protein structure and function are either unavailable or do not agree on the potential impact of this missense change (SIFT: "Deleterious"; PolyPhen-2: "Probably Damaging"; Align-GVGD: "Class C15"). This variant has not been reported in the literature in individuals affected with SNX27-related conditions. This variant is not present in population databases (gnomAD no frequency). This sequence change replaces asparagine, which is neutral and polar, with aspartic acid, which is acidic and polar, at codon 206 of the SNX27 protein (p.Asn206Asp).

NM_001330723.2(SNX27):c.616A>G (p.Asn206Asp)

Gene: SNX27 (sorting nexin 27; plus strand). Cytogenetic location: 1q21.3.
Variant type: single nucleotide variant.
Coding change: c.616A>G on transcript NM_001330723.2 (MANE Select); coding-DNA position 616, A replaced by G.
Protein change: p.Asn206Asp; replaces asparagine 206 with aspartic acid.
Molecular consequence: missense variant.
Genome position (GRCh38, 1-based): chr1:151,658,307, A>G. VCF-style: chr1-151658307-A-G. GRCh37 (hg19) VCF-style: chr1-151630783-A-G.
Other names: c.616A>G, p.Asn206Asp (NM_030918.6); short protein forms N206D.
Identifiers: ClinVar variation 1514304 (VCV001514304.8), dbSNP rs2102676815, ClinGen allele CA341958586.